The following is an entry in ClinVar:

NM_181523.3(PIK3R1):c.268C>T (p.Arg90Trp)

Gene: PIK3R1 (phosphoinositide-3-kinase regulatory subunit 1; plus strand). Cytogenetic location: 5q13.1.
Variant type: single nucleotide variant.
Coding change: c.268C>T on transcript NM_181523.3 (MANE Select); coding-DNA position 268, C replaced by T.
Protein change: p.Arg90Trp; replaces arginine 90 with tryptophan.
Molecular consequence: missense variant.
Genome position (GRCh38, 1-based): chr5:68,226,943, C>T. VCF-style: chr5-68226943-C-T. GRCh37 (hg19) VCF-style: chr5-67522771-C-T.
Other names: short protein forms R90W.
Identifiers: ClinVar variation 2933379 (VCV002933379.3), dbSNP rs141974044, ClinGen allele CA120629749.

ClinVar aggregate classification (germline): Uncertain significance (1 of 4 stars; one submission).

Conditions:
SHORT syndrome. Also called: LIPODYSTROPHY, PARTIAL, WITH RIEGER ANOMALY AND SHORT STATURE; PIK3R1-Related SHORT Syndrome; SHORT STATURE, HYPEREXTENSIBILITY, HERNIA, OCULAR DEPRESSION, RIEGER ANOMALY, AND TEETHING DELAY. Identifiers: Orphanet 3163, MedGen C0878684, MONDO:0010026, OMIM 269880.
Agammaglobulinemia 7, autosomal recessive (AGM7). Also called: AGAMMAGLOBULINEMIA, AUTOSOMAL RECESSIVE, DUE TO PIK3R1 DEFECT. Identifiers: MedGen C3554689, MONDO:0014083, OMIM 615214.
Immunodeficiency 36 with lymphoproliferation. Also called: Immunodeficiency 36; ACTIVATED PI3K-DELTA SYNDROME 2; Activated PI3K Delta Syndrome Type 2 (APDS2). Identifiers: Orphanet 397596, Orphanet 693681, MedGen C4014934, MONDO:0014453, OMIM 616005.

Allele frequency attached by ClinVar (database versions not stated): TOPMed below 0.00001; gnomAD 0.00001; ESP Exome Variant Server 0.00008.
gnomAD v4.1: 5 of 1,613,970 alleles (0.00031%); highest among the groups gnomAD compares: Non-Finnish European, 0.00042%; no homozygotes.

Submission:

Labcorp Genetics (formerly Invitae), Labcorp
Classification: Uncertain significance for SHORT syndrome; Immunodeficiency 36 with lymphoproliferation; Agammaglobulinemia 7, autosomal recessive. Last evaluated: 2025-09-15. Review status: criteria provided, single submitter. Criteria: Invitae Variant Classification Sherloc (09022015). Collection method: clinical testing. Allele origin: germline.
Comment: This sequence change replaces arginine, which is basic and polar, with tryptophan, which is neutral and slightly polar, at codon 90 of the PIK3R1 protein (p.Arg90Trp). This variant is present in population databases (rs141974044, gnomAD 0.007%). This variant has not been reported in the literature in individuals affected with PIK3R1-related conditions. ClinVar contains an entry for this variant (Variation ID: 2933379). An algorithm developed to predict the effect of missense changes on protein structure and function (PolyPhen-2) suggests that this variant is likely to be disruptive. In summary, the available evidence is currently insufficient to determine the role of this variant in disease. Therefore, it has been classified as a Variant of Uncertain Significance.